The following is an entry in ClinVar:

ClinVar aggregate classification (germline): Uncertain significance (1 of 4 stars; one submission).

Allele frequency attached by ClinVar (database versions not stated): ExAC 0.00001; gnomAD exomes 0.00001 and 0.00003; gnomAD 0.00002; TOPMed 0.00002; ESP Exome Variant Server 0.00008.
gnomAD v4.1: 50 of 1,614,040 alleles (0.0031%); highest among the groups gnomAD compares: Non-Finnish European, 0.0039%; no homozygotes.

Submission:

Labcorp Genetics (formerly Invitae), Labcorp
Classification: Uncertain significance. Last evaluated: 2021-11-23. Review status: criteria provided, single submitter. Criteria: Invitae Variant Classification Sherloc (09022015). Collection method: clinical testing. Allele origin: germline.
Comment: This sequence change replaces alanine, which is neutral and non-polar, with valine, which is neutral and non-polar, at codon 531 of the ABCB4 protein (p.Ala531Val). This variant is present in population databases (rs144302326, gnomAD 0.007%). This variant has not been reported in the literature in individuals affected with ABCB4-related conditions. Advanced modeling of protein sequence and biophysical properties (such as structural, functional, and spatial information, amino acid conservation, physicochemical variation, residue mobility, and thermodynamic stability) performed at Invitae indicates that this missense variant is expected to disrupt ABCB4 protein function. In summary, the available evidence is currently insufficient to determine the role of this variant in disease. Therefore, it has been classified as a Variant of Uncertain Significance.

NM_000443.4(ABCB4):c.1592C>T (p.Ala531Val)

Gene: ABCB4 (ATP binding cassette subfamily B member 4; minus strand). Cytogenetic location: 7q21.12.
Variant type: single nucleotide variant.
Coding change: c.1592C>T on transcript NM_000443.4 (MANE Select); coding-DNA position 1592, C replaced by T.
Protein change: p.Ala531Val; replaces alanine 531 with valine.
Molecular consequence: missense variant.
Genome position (GRCh38, 1-based): chr7:87,439,806, G>A on the plus strand (C>T on the coding strand, the complement: ABCB4 is on the minus strand). VCF-style: chr7-87439806-G-A. GRCh37 (hg19) VCF-style: chr7-87069122-G-A.
Other names: c.1592C>T, p.Ala531Val (NM_018849.3, NM_018850.3); short protein forms A531V.
Identifiers: ClinVar variation 1469815 (VCV001469815.3), dbSNP rs144302326, ClinGen allele CA4327254.